The following is an entry in ClinVar:

ClinVar aggregate classification (germline): Likely benign (1 of 4 stars; one submission).

Conditions:
Lynch syndrome. Identifiers: Orphanet 144, MedGen C4552100, MONDO:0005835. Disease mechanism: loss of function.

Submission:

All of Us Research Program, National Institutes of Health
Classification: Likely benign for Lynch syndrome. Last evaluated: 2023-11-02. Review status: criteria provided, single submitter. Criteria: ACMG Guidelines, 2015. Collection method: clinical testing. Allele origin: germline. Inheritance: Autosomal dominant inheritance. Observed: 1 variant allele, 1 heterozygote.
Comment: This study involves interpretation of variants in research participants for the purpose of population health screening. Participant phenotype was not available at the time of variant classification. Additional details can be found in publication PMID: 35346344, PMCID: PMC8962531

NM_000179.3(MSH6):c.155A>C (p.Glu52Ala)

Gene: MSH6 (mutS homolog 6; plus strand). Cytogenetic location: 2p16.3.
Variant type: single nucleotide variant.
Coding change: c.155A>C on transcript NM_000179.3 (MANE Select); coding-DNA position 155, A replaced by C.
Protein change: p.Glu52Ala; replaces glutamic acid 52 with alanine.
Molecular consequence: missense variant. On other transcripts: 5 prime UTR variant (7), synonymous variant (1), non-coding transcript variant (5), intron variant (5).
Genome position (GRCh38, 1-based): chr2:47,783,388, A>C. VCF-style: chr2-47783388-A-C. GRCh37 (hg19) VCF-style: chr2-48010527-A-C.
Other names: c.155A>C, p.Glu52Ala (NM_001281492.2, NM_001406795.1, NM_001406796.1 and 9 more transcripts); c.-582A>C (NM_001281493.2, NM_001406811.1); c.-174A>C (NM_001406799.1); c.100A>C, p.Arg34= (NM_001406804.1); c.-774A>C (NM_001406807.1); c.-429A>C (NM_001406812.1); c.-840A>C (NM_001406814.1); c.-385A>C (NM_001406816.1); and 3 more; short protein forms E52A.
Identifiers: ClinVar variation 3073252 (VCV003073252.1), dbSNP rs878853707, ClinGen allele CA346734950.